The following is an entry in ClinVar:

ClinVar aggregate classification (germline): Uncertain significance (1 of 4 stars; one submission).

Conditions:
LAMA2-related muscular dystrophy (LAMA2-RD). Also called: Laminin alpha 2-related dystrophy. Identifiers: MedGen C5679788, MONDO:0100228.

Allele frequency attached by ClinVar (database versions not stated): gnomAD exomes below 0.00001; TOPMed below 0.00001.
gnomAD v4.1: 38 of 1,613,966 alleles (0.0024%); highest among the groups gnomAD compares: Non-Finnish European, 0.0031%; no homozygotes.

Submission:

Labcorp Genetics (formerly Invitae), Labcorp
Classification: Uncertain significance for LAMA2-related muscular dystrophy. Last evaluated: 2021-10-18. Review status: criteria provided, single submitter. Criteria: Invitae Variant Classification Sherloc (09022015). Collection method: clinical testing. Allele origin: germline.
Comment: This sequence change falls in intron 26 of the LAMA2 gene. It does not directly change the encoded amino acid sequence of the LAMA2 protein, but it affects a nucleotide within the consensus splice site of the intron. This variant is not present in population databases (ExAC no frequency). This variant has not been reported in the literature in individuals with LAMA2-related conditions. Nucleotide substitutions within the consensus splice site are a relatively common cause of aberrant splicing (PMID: 17576681, 9536098). Algorithms developed to predict the effect of sequence changes on RNA splicing suggest that this variant is not likely to affect RNA splicing, but this prediction has not been confirmed by published transcriptional studies. In summary, the available evidence is currently insufficient to determine the role of this variant in disease. Therefore, it has been classified as a Variant of Uncertain Significance.

Literature cited by the submitters: PubMed 17576681; PubMed 9536098.

NM_000426.4(LAMA2):c.3924+6G>C

Gene: LAMA2 (laminin subunit alpha 2; plus strand). Cytogenetic location: 6q22.33.
Variant type: single nucleotide variant.
Coding change: c.3924+6G>C on transcript NM_000426.4 (MANE Select); 6 bases into the intron after coding-DNA position 3924, G replaced by C.
Molecular consequence: intron variant.
Genome position (GRCh38, 1-based): chr6:129,315,956, G>C. VCF-style: chr6-129315956-G-C. GRCh37 (hg19) VCF-style: chr6-129637101-G-C.
Other names: c.3924+6G>C (NM_001079823.2).
Identifiers: ClinVar variation 1469297 (VCV001469297.3), dbSNP rs993217514, ClinGen allele CA146914352.